The following is an entry in ClinVar:

NM_001130438.3(SPTAN1):c.511A>G (p.Ile171Val)

Gene: SPTAN1 (spectrin alpha, non-erythrocytic 1; plus strand). Cytogenetic location: 9q34.11.
Variant type: single nucleotide variant.
Coding change: c.511A>G on transcript NM_001130438.3 (MANE Select); coding-DNA position 511, A replaced by G.
Protein change: p.Ile171Val; replaces isoleucine 171 with valine.
Molecular consequence: missense variant.
Genome position (GRCh38, 1-based): chr9:128,575,205, A>G. VCF-style: chr9-128575205-A-G. GRCh37 (hg19) VCF-style: chr9-131337484-A-G.
Other names: c.511A>G, p.Ile171Val (NM_001195532.2, NM_001363759.2, NM_001363765.2 and 1 more transcripts); short protein forms I171V.
Identifiers: ClinVar variation 436848 (VCV000436848.18), dbSNP rs771906889, ClinGen allele CA5264203.

ClinVar aggregate classification (germline): Uncertain significance. Review status: criteria provided, multiple submitters, no conflicts (2 of 4 stars). 4 submissions from 4 submitters: Uncertain significance (4). Last evaluated 2022-07-09.

Conditions:
Early-infantile DEE. Also called: Ohtahara syndrome; Early infantile epileptic encephalopathy; Early infantile epileptic encephalopathy with suppression bursts. Identifiers: Orphanet 1934, MedGen C0393706, MONDO:0800491.
Developmental and epileptic encephalopathy, 5 (DEE5). Identifiers: Orphanet 3451, MedGen C3150731, MONDO:0013277, OMIM 613477.

Allele frequency attached by ClinVar (database versions not stated): gnomAD exomes below 0.00001 and 0.00001; ExAC 0.00001; TOPMed 0.00001; gnomAD 0.00002 and 0.00003.
gnomAD v4.1: 13 of 1,614,154 alleles (0.00081%); highest among the groups gnomAD compares: East Asian, 0.0089%; no homozygotes.

Submissions (4):

Labcorp Genetics (formerly Invitae), Labcorp
Classification: Uncertain significance for Early-infantile DEE. Last evaluated: 2022-07-09. Review status: criteria provided, single submitter. Criteria: Invitae Variant Classification Sherloc (09022015). Collection method: clinical testing. Allele origin: germline.
Comment: In summary, the available evidence is currently insufficient to determine the role of this variant in disease. Therefore, it has been classified as a Variant of Uncertain Significance. Algorithms developed to predict the effect of missense changes on protein structure and function (SIFT, PolyPhen-2, Align-GVGD) all suggest that this variant is likely to be tolerated. ClinVar contains an entry for this variant (Variation ID: 436848). This variant has not been reported in the literature in individuals affected with SPTAN1-related conditions. This variant is present in population databases (rs771906889, gnomAD 0.004%). This sequence change replaces isoleucine, which is neutral and non-polar, with valine, which is neutral and non-polar, at codon 171 of the SPTAN1 protein (p.Ile171Val).

Genome-Nilou Lab
Classification: Uncertain significance for Developmental and epileptic encephalopathy, 5. Last evaluated: 2021-07-15. Review status: criteria provided, single submitter. Criteria: ACMG Guidelines, 2015. Collection method: clinical testing. Allele origin: germline. Affected: no.

Centre for Mendelian Genomics, University Medical Centre Ljubljana
Classification: Uncertain significance for Developmental and epileptic encephalopathy, 5. Last evaluated: 2019-12-24. Review status: criteria provided, single submitter. Criteria: ACMG Guidelines, 2015. Collection method: clinical testing. Allele origin: unknown. Affected: yes.
Comment: This variant was classified as: Uncertain significance. The available evidence favors the pathogenic nature of this variant, however the currently available data is insufficient to conclusively support its pathogenic nature. Thus this variant is classified as Uncertain significance - favor pathogenic. The following ACMG criteria were applied in classifying this variant: PP3.

Genetic Services Laboratory, University of Chicago
Classification: Uncertain significance. Last evaluated: 2015-11-30. Review status: criteria provided, single submitter. Criteria: ACMG Guidelines, 2015. Collection method: clinical testing. Allele origin: germline. Affected: no.